The following is an entry in ClinVar:

ClinVar aggregate classification (germline): Uncertain significance (1 of 4 stars; one submission).

Conditions:
Tumor predisposition syndrome 3 (TPDS3). Also called: Glioma susceptibility 9; LONG TELOMERE SYNDROME, POT1-RELATED; POT1 Tumor Predisposition; Melanoma, cutaneous malignant, susceptibility to, 10. Identifiers: Orphanet 618, MedGen C4014476, MONDO:0014368, OMIM 615848.

Submission:

Labcorp Genetics (formerly Invitae), Labcorp
Classification: Uncertain significance for Tumor predisposition syndrome 3. Last evaluated: 2020-01-17. Review status: criteria provided, single submitter. Criteria: Invitae Variant Classification Sherloc (09022015). Collection method: clinical testing. Allele origin: germline.
Comment: This sequence change replaces leucine with arginine at codon 239 of the POT1 protein (p.Leu239Arg). The leucine residue is highly conserved and there is a moderate physicochemical difference between leucine and arginine. In summary, this variant has uncertain impact on POT1 function. The available evidence is currently insufficient to determine its role in disease. Therefore, it has been classified as a Variant of Uncertain Significance. Algorithms developed to predict the effect of missense changes on protein structure and function (SIFT, PolyPhen-2, Align-GVGD) all suggest that this variant is likely to be disruptive, but these predictions have not been confirmed by published functional studies and their clinical significance is uncertain. This variant has not been reported in the literature in individuals with a POT1-related disease. This variant is not present in population databases (ExAC no frequency).

NM_015450.3(POT1):c.716T>G (p.Leu239Arg)

Gene: POT1 (protection of telomeres 1; minus strand). Cytogenetic location: 7q31.33.
Variant type: single nucleotide variant.
Coding change: c.716T>G on transcript NM_015450.3 (MANE Select); coding-DNA position 716, T replaced by G.
Protein change: p.Leu239Arg; replaces leucine 239 with arginine.
Molecular consequence: missense variant. On other transcripts: non-coding transcript variant (3).
Genome position (GRCh38, 1-based): chr7:124,853,125, A>C on the plus strand (T>G on the coding strand, the complement: POT1 is on the minus strand). VCF-style: chr7-124853125-A-C. GRCh37 (hg19) VCF-style: chr7-124493179-A-C.
Other names: c.323T>G, p.Leu108Arg (NM_001042594.2); short protein forms L239R, L108R.
Identifiers: ClinVar variation 475096 (VCV000475096.9), dbSNP rs1554424050, ClinGen allele CA369055738.